The following is an entry in ClinVar:

ClinVar aggregate classification (germline): Uncertain significance. Review status: criteria provided, single submitter (1 of 4 stars). 2 submissions from 2 submitters: Uncertain significance (1). 1 of the submissions does not count toward it. Last evaluated 2024-05-19.

Conditions:
Charcot-Marie-Tooth disease. Also called: Charcot-Marie-Tooth Hereditary Neuropathy; Charcot-Marie-Tooth Neuropathy. Identifiers: Orphanet 166, MedGen C0007959, MONDO:0015626.
Charcot-Marie-Tooth Neuropathy X. Identifiers: MedGen CN118851.

Submissions (2):

Labcorp Genetics (formerly Invitae), Labcorp
Classification: Uncertain significance for Charcot-Marie-Tooth Neuropathy X. Last evaluated: 2024-05-19. Review status: criteria provided, single submitter. Criteria: Invitae Variant Classification Sherloc (09022015). Collection method: clinical testing. Allele origin: germline.
Comment: This sequence change replaces phenylalanine, which is neutral and non-polar, with cysteine, which is neutral and slightly polar, at codon 193 of the GJB1 protein (p.Phe193Cys). This variant is not present in population databases (gnomAD no frequency). This missense change has been observed in individual(s) with Charcot-Marie-Tooth disease (PMID: 31119804). It has also been observed to segregate with disease in related individuals. ClinVar contains an entry for this variant (Variation ID: 637574). Advanced modeling of protein sequence and biophysical properties (such as structural, functional, and spatial information, amino acid conservation, physicochemical variation, residue mobility, and thermodynamic stability) has been performed at Invitae for this missense variant, however the output from this modeling did not meet the statistical confidence thresholds required to predict the impact of this variant on GJB1 protein function. This variant disrupts the p.Phe193 amino acid residue in GJB1. Other variant(s) that disrupt this residue have been observed in individuals with GJB1-related conditions (PMID: 10737979), which suggests that this may be a clinically significant amino acid residue. In summary, the available evidence is currently insufficient to determine the role of this variant in disease. Therefore, it has been classified as a Variant of Uncertain Significance.

Inherited Neuropathy Consortium
Classification: Uncertain significance for Charcot-Marie-Tooth disease. Review status: no assertion criteria provided. Collection method: literature only. Allele origin: germline. Affected: yes. Not counted in ClinVar's aggregate classification.

Literature cited by the submitters: PubMed 31119804 (cited by Labcorp Genetics (formerly Invitae), Labcorp); PubMed 10737979 (cited by Labcorp Genetics (formerly Invitae), Labcorp); PubMed 9361298 (cited by Inherited Neuropathy Consortium).

NM_000166.6(GJB1):c.578T>G (p.Phe193Cys)

Gene: GJB1 (gap junction protein beta 1; plus strand). Cytogenetic location: Xq13.1.
Variant type: single nucleotide variant.
Coding change: c.578T>G on transcript NM_000166.6 (MANE Select); coding-DNA position 578, T replaced by G.
Protein change: p.Phe193Cys; replaces phenylalanine 193 with cysteine.
Molecular consequence: missense variant.
Genome position (GRCh38, 1-based): chrX:71,224,285, T>G. VCF-style: chrX-71224285-T-G. GRCh37 (hg19) VCF-style: chrX-70444135-T-G.
Other names: c.578T>G, p.Phe193Cys (NM_001097642.3); short protein forms F193C.
Identifiers: ClinVar variation 637574 (VCV000637574.3), dbSNP rs1602349696, ClinGen allele CA413503219.